The following is an entry in ClinVar:

NM_020884.7(MYH7B):c.2489C>T (p.Ala830Val)

Gene: MYH7B (myosin heavy chain 7B; plus strand). Cytogenetic location: 20q11.22.
Variant type: single nucleotide variant.
Coding change: c.2489C>T on transcript NM_020884.7 (MANE Select); coding-DNA position 2489, C replaced by T.
Protein change: p.Ala830Val; replaces alanine 830 with valine.
Molecular consequence: missense variant.
Genome position (GRCh38, 1-based): chr20:34,994,190, C>T. VCF-style: chr20-34994190-C-T. GRCh37 (hg19) VCF-style: chr20-33581993-C-T.
Other names: c.2615C>T (NM_020884.3); short protein forms A830V.
Identifiers: ClinVar variation 736430 (VCV000736430.12), dbSNP rs199876576, ClinGen allele CA9827398.

ClinVar aggregate classification (germline): Conflicting classifications of pathogenicity. Review status: criteria provided, conflicting classifications (1 of 4 stars). 3 submissions from 3 submitters: Uncertain significance (1); Likely benign (1). 1 of the submissions does not count toward it. Last evaluated 2026-01-06.

Conditions:
MYH7B-related disorder. Also called: MYH7B-related condition.

Allele frequency attached by ClinVar (database versions not stated): gnomAD exomes 0.00009 and 0.00023; ExAC 0.00027; ESP Exome Variant Server 0.00047; 1000 Genomes Project 30x 0.00062; 1000 Genomes Project 0.00080; gnomAD 0.00089 and 0.00094; TOPMed 0.00111.
gnomAD v4.1: 264 of 1,613,438 alleles (0.016%); highest among the groups gnomAD compares: African/African-American, 0.28%; no homozygotes.

Submissions (3):

Labcorp Genetics (formerly Invitae), Labcorp
Classification: Likely benign. Last evaluated: 2026-01-06. Review status: criteria provided, single submitter. Criteria: Invitae Variant Classification Sherloc (09022015). Collection method: clinical testing. Allele origin: germline.

Ambry Genetics
Classification: Uncertain significance. Last evaluated: 2025-12-03. Review status: criteria provided, single submitter. Criteria: Ambry Variant Classification Scheme 2023. Collection method: clinical testing. Allele origin: germline.

PreventionGenetics, part of Exact Sciences
Classification: Likely benign for MYH7B-related condition. Last evaluated: 2024-08-23. Review status: no assertion criteria provided. Collection method: clinical testing. Allele origin: germline. Not counted in ClinVar's aggregate classification.
Comment: This variant is classified as likely benign based on ACMG/AMP sequence variant interpretation guidelines (Richards et al. 2015 PMID: 25741868, with internal and published modifications).